The following is an entry in ClinVar:

NM_001122630.2(CDKN1C):c.665_666delinsAG (p.Arg222Gln)

Gene: CDKN1C (cyclin dependent kinase inhibitor 1C; minus strand). Cytogenetic location: 11p15.4.
Variant type: Indel.
Coding change: c.665_666delinsAG on transcript NM_001122630.2 (MANE Select); coding-DNA positions 665 to 666, GC replaced by AG.
Protein change: p.Arg222Gln; replaces arginine 222 with glutamine.
Molecular consequence: missense variant. On other transcripts: intron variant (1).
Genome position (GRCh38, 1-based): chr11:2,884,791-2,884,792, GC replaced by CT on the plus strand (GC replaced by AG on the coding strand, the reverse complement: CDKN1C is on the minus strand). VCF-style: chr11-2884791-GC-CT. GRCh37 (hg19) VCF-style: chr11-2906021-GC-CT.
Other names: c.698_699delGCinsAG (NM_000076.2); c.698_699delinsAG, p.Arg233Gln (LRG_533t1, NM_000076.2, NM_001362474.2); c.665_666delinsAG, p.Arg222Gln (NM_001122631.2); c.255+410_255+411delinsAG (NM_001362475.2); short protein forms R222Q, R233Q.
Identifiers: ClinVar variation 454026 (VCV000454026.9), dbSNP rs1554937778, ClinGen allele CA658656112.

ClinVar aggregate classification (germline): Uncertain significance. Review status: criteria provided, multiple submitters, no conflicts (2 of 4 stars). 2 submissions from 2 submitters: Uncertain significance (2). Last evaluated 2025-08-18.

Conditions:
Beckwith-Wiedemann syndrome (BWS). Also called: EMG SYNDROME; Exomphalos macroglossia gigantism syndrome. Identifiers: Orphanet 116, MedGen C0004903, MONDO:0007534, OMIM 130650.
IMAGe syndrome. Also called: Intrauterine growth retardation, metaphyseal dysplasia, adrenal hypoplasia congenita, and genital anomalies; Intrauterine Growth Restriction, Metaphyseal Dysplasia, Adrenal Hypoplasia Congenita, and Genital Anomalies. Identifiers: Orphanet 85173, MedGen C1846009, MONDO:0013873, OMIM 614732.

Submissions (2):

Clinical Genomics Laboratory, Washington University in St. Louis
Classification: Uncertain significance for IMAGe syndrome; Beckwith-Wiedemann syndrome. Last evaluated: 2025-08-18. Review status: criteria provided, single submitter. Criteria: ACMG Guidelines, 2015. Collection method: clinical testing. Allele origin: germline.
Comment: A CDKN1C c.665_666delinsAG (p.Arg222Gln) variant was identified at a near-heterozygous allelic fraction of 45.1%, a frequency which may be consistent with it being of germline origin. This variant, to our knowledge, has not been reported in the medical literature. The CDKN1C c.665_666delinsAG (p.Arg222Gln) variant is a dinucleotide substitution that is absent from the general population (gnomAD v.4.1.0), indicating it is not a common variant. It has been reported in the ClinVar database as a variant of uncertain significance in a germline state by one submitter (ClinVar Variation ID: 454026). Due to limited information, and based on ACMG/AMP guidelines for variant interpretation (Richards S et al., PMID: 25741868), the clinical significance of this variant is uncertain at this time.

Labcorp Genetics (formerly Invitae), Labcorp
Classification: Uncertain significance for Beckwith-Wiedemann syndrome. Last evaluated: 2024-10-29. Review status: criteria provided, single submitter. Criteria: Invitae Variant Classification Sherloc (09022015). Collection method: clinical testing. Allele origin: germline.
Comment: This sequence change replaces arginine, which is basic and polar, with glutamine, which is neutral and polar, at codon 233 of the CDKN1C protein (p.Arg233Gln). This variant is present in population databases (no rsID available, gnomAD 0.003%). This variant has not been reported in the literature in individuals affected with CDKN1C-related conditions. ClinVar contains an entry for this variant (Variation ID: 454026). Experimental studies and prediction algorithms are not available or were not evaluated, and the functional significance of this variant is currently unknown. In summary, the available evidence is currently insufficient to determine the role of this variant in disease. Therefore, it has been classified as a Variant of Uncertain Significance.